The following is an entry in ClinVar:

ClinVar aggregate classification (germline): Conflicting classifications of pathogenicity. Review status: criteria provided, conflicting classifications (1 of 4 stars). 4 submissions from 4 submitters: Uncertain significance (3); Likely benign (1). Last evaluated 2024-09-05.

Conditions:
Cardiovascular phenotype. Identifiers: MedGen CN230736.
Brugada syndrome 4 (BRGDA4). Identifiers: Orphanet 130, MedGen C2678477, MONDO:0012743, OMIM 611876.

Allele frequency attached by ClinVar (database versions not stated): gnomAD exomes 0.00001 and 0.00003; TOPMed 0.00002; gnomAD 0.00003; ExAC 0.00004.
gnomAD v4.1: 45 of 1,614,036 alleles (0.0028%); highest among the groups gnomAD compares: Non-Finnish European, 0.0036%; no homozygotes.

Submissions (4):

Blueprint Genetics
Classification: Likely benign. Last evaluated: 2024-09-05. Review status: criteria provided, single submitter. Criteria: ACMG Guidelines, 2015. Collection method: clinical testing. Allele origin: germline.

Ambry Genetics
Classification: Uncertain significance for Cardiovascular phenotype. Last evaluated: 2024-07-15. Review status: criteria provided, single submitter. Criteria: Ambry Variant Classification Scheme 2023. Collection method: clinical testing. Allele origin: germline.
Comment: The p.K213R variant (also known as c.638A>G), located in coding exon 6 of the CACNB2 gene, results from an A to G substitution at nucleotide position 638. The lysine at codon 213 is replaced by arginine, an amino acid with highly similar properties. This amino acid position is highly conserved in available vertebrate species. In addition, the in silico prediction for this alteration is inconclusive. The evidence for this gene-disease relationship is limited; therefore, the clinical significance of this alteration is unclear.

Labcorp Genetics (formerly Invitae), Labcorp
Classification: Uncertain significance for Brugada syndrome 4. Last evaluated: 2021-10-23. Review status: criteria provided, single submitter. Criteria: Invitae Variant Classification Sherloc (09022015). Collection method: clinical testing. Allele origin: germline.
Comment: This sequence change replaces lysine with arginine at codon 213 of the CACNB2 protein (p.Lys213Arg). The lysine residue is highly conserved and there is a small physicochemical difference between lysine and arginine. This variant is present in population databases (rs771875189, ExAC 0.007%). This missense change has been observed in individual(s) with sudden unexplained death (PMID: 29016939). This variant is also known as c.800A>G (p.K267R). Algorithms developed to predict the effect of missense changes on protein structure and function are either unavailable or do not agree on the potential impact of this missense change (SIFT: "Deleterious"; PolyPhen-2: "Benign"; Align-GVGD: "Class C0"). Algorithms developed to predict the effect of sequence changes on RNA splicing suggest that this variant may create or strengthen a splice site. In summary, the available evidence is currently insufficient to determine the role of this variant in disease. Therefore, it has been classified as a Variant of Uncertain Significance.

Mayo Clinic Laboratories, Mayo Clinic
Classification: Uncertain significance. Last evaluated: 2021-02-18. Review status: criteria provided, single submitter. Criteria: ACMG Guidelines, 2015. Collection method: clinical testing. Allele origin: germline. Observed: 1 variant allele.

Literature cited by the submitters: PubMed 29016939 (cited by Labcorp Genetics (formerly Invitae), Labcorp).

NM_201596.3(CACNB2):c.800A>G (p.Lys267Arg)

Gene: CACNB2 (calcium voltage-gated channel auxiliary subunit beta 2; plus strand). Cytogenetic location: 10p12.31.
Variant type: single nucleotide variant.
Coding change: c.800A>G on transcript NM_201596.3 (MANE Select); coding-DNA position 800, A replaced by G.
Protein change: p.Lys267Arg; replaces lysine 267 with arginine.
Molecular consequence: missense variant. On other transcripts: intron variant (5).
Genome position (GRCh38, 1-based): chr10:18,514,365, A>G. VCF-style: chr10-18514365-A-G. GRCh37 (hg19) VCF-style: chr10-18803294-A-G.
Other names: c.635A>G, p.Lys212Arg (NM_000724.4); c.656A>G, p.Lys219Arg (NM_201570.3); c.587-146A>G (NM_001167945.2); c.587-615A>G (NM_201572.4); c.671-146A>G (NM_201593.3); c.671-615A>G (NM_201597.3); c.506-146A>G (NM_001330060.2); c.716A>G, p.Lys239Arg (NM_201571.4); and 1 more; short protein forms K212R, K213R, K239R, K267R, K219R.
Identifiers: ClinVar variation 836309 (VCV000836309.10), dbSNP rs771875189, ClinGen allele CA5429720.